The following is an entry in ClinVar:

NM_001364905.1(LRBA):c.349A>G (p.Ile117Val)

Gene: LRBA (LPS responsive beige-like anchor protein; minus strand). Cytogenetic location: 4q31.3.
Variant type: single nucleotide variant.
Coding change: c.349A>G on transcript NM_001364905.1 (MANE Select); coding-DNA position 349, A replaced by G.
Protein change: p.Ile117Val; replaces isoleucine 117 with valine.
Molecular consequence: missense variant.
Genome position (GRCh38, 1-based): chr4:150,928,933, T>C on the plus strand (A>G on the coding strand, the complement: LRBA is on the minus strand). VCF-style: chr4-150928933-T-C. GRCh37 (hg19) VCF-style: chr4-151850085-T-C.
Other names: c.349A>G, p.Ile117Val (NM_001199282.3, NM_001367550.1, NM_006726.5); short protein forms I117V.
Identifiers: ClinVar variation 569484 (VCV000569484.3), dbSNP rs138267366, ClinGen allele CA3103899.

ClinVar aggregate classification (germline): Uncertain significance. Review status: criteria provided, multiple submitters, no conflicts (2 of 4 stars). 2 submissions from 2 submitters: Uncertain significance (2). Last evaluated 2022-12-01.

Conditions:
Inborn genetic diseases. Identifiers: MedGen C0950123, MeSH D030342.
Combined immunodeficiency due to LRBA deficiency. Also called: Common variable immunodeficiency 8, with autoimmunity. Identifiers: Orphanet 445018, MedGen C3553512, MONDO:0013863, OMIM 614700.

Allele frequency attached by ClinVar (database versions not stated): ESP Exome Variant Server 0.00015; gnomAD 0.00003 and 0.00004; gnomAD exomes 0.00003; TOPMed 0.00004.
gnomAD v4.1: 45 of 1,614,006 alleles (0.0028%); highest among the groups gnomAD compares: South Asian, 0.0077%; no homozygotes.

Submissions (2):

Ambry Genetics
Classification: Uncertain significance for Inborn genetic diseases. Last evaluated: 2022-12-01. Review status: criteria provided, single submitter. Criteria: Ambry Variant Classification Scheme 2023. Collection method: clinical testing. Allele origin: germline.

Labcorp Genetics (formerly Invitae), Labcorp
Classification: Uncertain significance for Combined immunodeficiency due to LRBA deficiency. Last evaluated: 2022-03-01. Review status: criteria provided, single submitter. Criteria: Invitae Variant Classification Sherloc (09022015). Collection method: clinical testing. Allele origin: germline.
Comment: This sequence change replaces isoleucine, which is neutral and non-polar, with valine, which is neutral and non-polar, at codon 117 of the LRBA protein (p.Ile117Val). This variant is present in population databases (rs138267366, gnomAD 0.01%). This variant has not been reported in the literature in individuals affected with LRBA-related conditions. ClinVar contains an entry for this variant (Variation ID: 569484). Algorithms developed to predict the effect of missense changes on protein structure and function (SIFT, PolyPhen-2, Align-GVGD) all suggest that this variant is likely to be tolerated. In summary, the available evidence is currently insufficient to determine the role of this variant in disease. Therefore, it has been classified as a Variant of Uncertain Significance.